The following is an entry in ClinVar:

NM_016507.4(CDK12):c.3101C>T (p.Pro1034Leu)

Gene: CDK12 (cyclin dependent kinase 12; plus strand). Cytogenetic location: 17q12.
Variant type: single nucleotide variant.
Coding change: c.3101C>T on transcript NM_016507.4 (MANE Select); coding-DNA position 3101, C replaced by T.
Protein change: p.Pro1034Leu; replaces proline 1034 with leucine.
Molecular consequence: missense variant.
Genome position (GRCh38, 1-based): chr17:39,524,679, C>T. VCF-style: chr17-39524679-C-T. GRCh37 (hg19) VCF-style: chr17-37680932-C-T.
Other names: c.3101C>T, p.Pro1034Leu (NM_015083.4); short protein forms P1034L.
Identifiers: ClinVar variation 3999340 (VCV003999340.1).
Genomic context (GRCh38, chr17:39,524,679, plus strand): 5'-TTCATTCACTGCTGCATTCCCTTACATATTTCCCCTTTGCTTTGTCTTTTTCCAGCCTCC[C>T]CCACTGGCAGGATTGCCATGAGTTGTGGAGTAAGAAACGGCGACGTCAGCGACAAAGTGG-3'
Protein context (NP_057591.2, residues 1024-1044): ELSKMAPPDL[Pro1034Leu]HWQDCHELWS

ClinVar aggregate classification (germline): Uncertain significance (1 of 4 stars; one submission).

Submission:

Ambry Genetics
Classification: Uncertain significance. Last evaluated: 2025-04-11. Review status: criteria provided, single submitter. Criteria: Ambry Variant Classification Scheme 2023. Collection method: clinical testing. Allele origin: germline.
Comment: The p.P1034L variant (also known as c.3101C>T), located in coding exon 12 of the CDK12 gene, results from a C to T substitution at nucleotide position 3101. The proline at codon 1034 is replaced by leucine, an amino acid with similar properties. This amino acid position is conserved. In addition, the in silico prediction for this alteration is inconclusive. Based on the available evidence, the clinical significance of this variant remains unclear.